The following is an entry in ClinVar:

NM_001083116.3(PRF1):c.671T>C (p.Ile224Thr)

Gene: PRF1 (perforin 1; minus strand). Cytogenetic location: 10q22.1.
Variant type: single nucleotide variant.
Coding change: c.671T>C on transcript NM_001083116.3 (MANE Select); coding-DNA position 671, T replaced by C.
Protein change: p.Ile224Thr; replaces isoleucine 224 with threonine.
Molecular consequence: missense variant.
Genome position (GRCh38, 1-based): chr10:70,599,050, A>G on the plus strand (T>C on the coding strand, the complement: PRF1 is on the minus strand). VCF-style: chr10-70599050-A-G. GRCh37 (hg19) VCF-style: chr10-72358806-A-G.
Other names: c.671T>C, p.Ile224Thr (NM_005041.6); short protein forms I224T.
Identifiers: ClinVar variation 651474 (VCV000651474.1), dbSNP rs1419243128, ClinGen allele CA376958914.
Genomic context (GRCh38, chr10:70,599,050, plus strand): 5'-AGCTCGCAGGTGCGCAGGGCAGTGAGGGCCGATATGCGGCCACCCAGCTCCACAGCCCGG[A>G]TGAAGTGGGTGCCGTAGTTGGAGATAAGCCTGAGGTAGGCGGGCTGGGTGGAGGCGTTGA-3'
Protein context (NP_001076585.1, residues 214-234): RLISNYGTHF[Ile224Thr]RAVELGGRIS

ClinVar aggregate classification (germline): Uncertain significance (1 of 4 stars; one submission).

Conditions:
Familial hemophagocytic lymphohistiocytosis 2 (FHL2). Also called: PRF1-Related Familial Hemophagocytic Lymphohistiocytosis (PRF1-fHLH). Identifiers: Orphanet 540, MedGen C1863727, MONDO:0011337, OMIM 603553.

Allele frequency attached by ClinVar (database versions not stated): gnomAD exomes below 0.00001.

Submission:

Labcorp Genetics (formerly Invitae), Labcorp
Classification: Uncertain significance for Hemophagocytic lymphohistiocytosis, familial, 2. Last evaluated: 2018-08-14. Review status: criteria provided, single submitter. Criteria: Invitae Variant Classification Sherloc (09022015). Collection method: clinical testing. Allele origin: germline.
Comment: This sequence change replaces isoleucine with threonine at codon 224 of the PRF1 protein (p.Ile224Thr). The isoleucine residue is highly conserved and there is a moderate physicochemical difference between isoleucine and threonine. This variant is not present in population databases (ExAC no frequency). This variant has not been reported in the literature in individuals with PRF1-related disease. Algorithms developed to predict the effect of missense changes on protein structure and function output the following: SIFT: "Deleterious"; PolyPhen-2: "Benign"; Align-GVGD: "Class C65". The threonine amino acid residue is found in multiple mammalian species, suggesting that this missense change does not adversely affect protein function. These predictions have not been confirmed by published functional studies and their clinical significance is uncertain. In summary, the available evidence is currently insufficient to determine the role of this variant in disease. Therefore, it has been classified as a Variant of Uncertain Significance.